The following is an entry in ClinVar:

ClinVar aggregate classification (germline): Likely benign (0 of 4 stars; one submission).

Conditions:
LAMB1-related disorder. Also called: LAMB1-related condition.

Allele frequency attached by ClinVar (database versions not stated): gnomAD 0.00001; ExAC 0.00011.
gnomAD v4.1: 59 of 1,611,630 alleles (0.0037%); highest among the groups gnomAD compares: South Asian, 0.064%; 2 homozygotes.

Submission:

PreventionGenetics, part of Exact Sciences
Classification: Likely benign for LAMB1-related condition. Last evaluated: 2023-02-14. Review status: no assertion criteria provided. Collection method: clinical testing. Allele origin: germline.
Comment: This variant is classified as likely benign based on ACMG/AMP sequence variant interpretation guidelines (Richards et al. 2015 PMID: 25741868, with internal and published modifications).

NM_002291.3(LAMB1):c.4393-8A>C

Gene: LAMB1 (laminin subunit beta 1; minus strand). Cytogenetic location: 7q31.1.
Variant type: single nucleotide variant.
Coding change: c.4393-8A>C on transcript NM_002291.3 (MANE Select); 8 bases into the intron before coding-DNA position 4393, A replaced by C.
Molecular consequence: intron variant.
Genome position (GRCh38, 1-based): chr7:107,931,508, T>G on the plus strand (A>C on the coding strand, the complement: LAMB1 is on the minus strand). VCF-style: chr7-107931508-T-G. GRCh37 (hg19) VCF-style: chr7-107571953-T-G.
Identifiers: ClinVar variation 3050900 (VCV003050900.2), dbSNP rs765494481, ClinGen allele CA4435040.